The following is an entry in ClinVar:

ClinVar aggregate classification (germline): Uncertain significance (1 of 4 stars; one submission).

Allele frequency attached by ClinVar (database versions not stated): gnomAD exomes below 0.00001; ExAC 0.00001; gnomAD 0.00001; TOPMed 0.00001.
gnomAD v4.1: 9 of 1,613,936 alleles (0.00056%); highest among the groups gnomAD compares: African/African-American, 0.0067%; no homozygotes.

Submission:

Labcorp Genetics (formerly Invitae), Labcorp
Classification: Uncertain significance. Last evaluated: 2023-11-04. Review status: criteria provided, single submitter. Criteria: Invitae Variant Classification Sherloc (09022015). Collection method: clinical testing. Allele origin: germline.
Comment: This sequence change falls in intron 4 of the RELA gene. It does not directly change the encoded amino acid sequence of the RELA protein. It affects a nucleotide within the consensus splice site. This variant is not present in population databases (gnomAD no frequency). This variant has not been reported in the literature in individuals affected with RELA-related conditions. Variants that disrupt the consensus splice site are a relatively common cause of aberrant splicing (PMID: 17576681, 9536098). Algorithms developed to predict the effect of sequence changes on RNA splicing suggest that this variant is not likely to affect RNA splicing. In summary, the available evidence is currently insufficient to determine the role of this variant in disease. Therefore, it has been classified as a Variant of Uncertain Significance.

Literature cited by the submitters: PubMed 17576681; PubMed 9536098.

NM_021975.4(RELA):c.336-3C>T

Gene: RELA (RELA proto-oncogene, NF-kB subunit; minus strand). Cytogenetic location: 11q13.1.
Variant type: single nucleotide variant.
Coding change: c.336-3C>T on transcript NM_021975.4 (MANE Select); 3 bases into the intron before coding-DNA position 336, C replaced by T.
Molecular consequence: intron variant.
Genome position (GRCh38, 1-based): chr11:65,660,218, G>A on the plus strand (C>T on the coding strand, the complement: RELA is on the minus strand). VCF-style: chr11-65660218-G-A. GRCh37 (hg19) VCF-style: chr11-65427689-G-A.
Other names: c.243-3C>T (NM_001404662.1, NM_001404663.1); c.309-3C>T (NM_001404658.1); c.47-421C>T (NM_001404661.1); c.336-3C>T (NM_001145138.2, NM_001404660.1, NM_001404659.1 and 2 more transcripts); c.369-3C>T (NM_001404657.1).
Identifiers: ClinVar variation 2966833 (VCV002966833.3), dbSNP rs777778432, ClinGen allele CA6106906.